The following is an entry in ClinVar:

ClinVar aggregate classification (germline): Uncertain significance. Review status: criteria provided, multiple submitters, no conflicts (2 of 4 stars). 4 submissions from 4 submitters: Uncertain significance (4). Last evaluated 2025-12-02.

Conditions:
Hereditary nonpolyposis colorectal neoplasms. Identifiers: MedGen C0009405, MeSH D003123.
Hereditary cancer-predisposing syndrome. Also called: Tumor predisposition; Hereditary Cancer Syndrome; Hereditary neoplastic syndrome; Neoplastic Syndromes, Hereditary. Identifiers: Orphanet 140162, MedGen C0027672, MeSH D009386, MONDO:0015356.
Lynch syndrome. Identifiers: Orphanet 144, MedGen C4552100, MONDO:0005835. Disease mechanism: loss of function.

Submissions (4):

Hema, HEMA – Genetic and Molecular Diagnostic Laboratory
Classification: Uncertain significance for Lynch syndrome. Last evaluated: 2025-12-02. Review status: criteria provided, single submitter. Criteria: HEMA Variant Classification Assertion Criteria. Collection method: clinical testing. Allele origin: germline.
Comment: The c.2416A>T variant is a transversion from thymine to adenine, resulting in the substitution of methionine 806 with leucine in the PMS2 protein. PM2_Supporting: Present at very low frequency in the gnomAD v4.1.0 database.

Ambry Genetics
Classification: Uncertain significance for Hereditary cancer-predisposing syndrome. Last evaluated: 2024-08-28. Review status: criteria provided, single submitter. Criteria: Ambry Variant Classification Scheme 2023. Collection method: clinical testing. Allele origin: germline.
Comment: The p.M806L variant (also known as c.2416A>T), located in coding exon 14 of the PMS2 gene, results from an A to T substitution at nucleotide position 2416. The methionine at codon 806 is replaced by leucine, an amino acid with highly similar properties. This amino acid position is highly conserved in available vertebrate species. In addition, this alteration is predicted to be deleterious by in silico analysis. Since supporting evidence is limited at this time, the clinical significance of this alteration remains unclear.

Quest Diagnostics Nichols Institute San Juan Capistrano
Classification: Uncertain significance. Last evaluated: 2024-08-28. Review status: criteria provided, single submitter. Criteria: Quest Diagnostics criteria. Collection method: clinical testing. Allele origin: unknown.
Comment: The PMS2 c.2416A>T (p.Met806Leu) variant has not been reported in individuals with PMS2-related conditions in the published literature. It also has not been reported in large, multi-ethnic general populations (Genome Aggregation Database). Analysis of this variant using bioinformatics tools for the prediction of the effect of amino acid changes on protein structure and function yielded predictions that this variant is benign. Based on the available information, we are unable to determine the clinical significance of this variant.

Labcorp Genetics (formerly Invitae), Labcorp
Classification: Uncertain significance for Hereditary nonpolyposis colorectal neoplasms. Last evaluated: 2024-06-06. Review status: criteria provided, single submitter. Criteria: Invitae Variant Classification Sherloc (09022015). Collection method: clinical testing. Allele origin: germline.
Comment: This sequence change replaces methionine, which is neutral and non-polar, with leucine, which is neutral and non-polar, at codon 806 of the PMS2 protein (p.Met806Leu). The frequency data for this variant in the population databases (gnomAD) is considered unreliable due to the presence of homologous sequence, such as pseudogenes or paralogs, in the genome. This variant has not been reported in the literature in individuals affected with PMS2-related conditions. ClinVar contains an entry for this variant (Variation ID: 484327). Advanced modeling of protein sequence and biophysical properties (such as structural, functional, and spatial information, amino acid conservation, physicochemical variation, residue mobility, and thermodynamic stability) performed at Invitae indicates that this missense variant is expected to disrupt PMS2 protein function with a positive predictive value of 80%. In summary, the available evidence is currently insufficient to determine the role of this variant in disease. Therefore, it has been classified as a Variant of Uncertain Significance.

NM_000535.7(PMS2):c.2416A>T (p.Met806Leu)

Gene: PMS2 (PMS1 homolog 2, mismatch repair system component; minus strand). Cytogenetic location: 7p22.1.
Variant type: single nucleotide variant.
Coding change: c.2416A>T on transcript NM_000535.7 (MANE Select); coding-DNA position 2416, A replaced by T.
Protein change: p.Met806Leu; replaces methionine 806 with leucine.
Molecular consequence: missense variant. On other transcripts: non-coding transcript variant (1).
Genome position (GRCh38, 1-based): chr7:5,977,617, T>A on the plus strand (A>T on the coding strand, the complement: PMS2 is on the minus strand). VCF-style: chr7-5977617-T-A. GRCh37 (hg19) VCF-style: chr7-6017248-T-A.
Other names: c.2416A>T (NM_000535.6); c.2011A>T, p.Met671Leu (NM_001322003.2, NM_001322004.2, NM_001322005.2); c.2260A>T, p.Met754Leu (NM_001322006.2); c.2098A>T, p.Met700Leu (NM_001322007.2, NM_001322008.2); c.2044A>T, p.Met682Leu (NM_001322009.2); c.1855A>T, p.Met619Leu (NM_001322010.2); c.1483A>T, p.Met495Leu (NM_001322011.2, NM_001322012.2); c.1843A>T, p.Met615Leu (NM_001322013.2); and 2 more; short protein forms M806L, M700L, M703L, M615L, M817L, M495L, M619L, M671L.
Identifiers: ClinVar variation 484327 (VCV000484327.16), dbSNP rs1554293792, ClinGen allele CA366735632.